The following is an entry in ClinVar:

ClinVar aggregate classification (germline): Uncertain significance (1 of 4 stars; one submission).

Conditions:
Fanconi anemia (FA). Also called: Fanconi's anemia. Identifiers: Orphanet 84, MedGen C0015625, MeSH D005199, MONDO:0019391.

Allele frequency attached by ClinVar (database versions not stated): ExAC 0.00001; gnomAD exomes 0.00001.
gnomAD v4.1: 12 of 1,611,688 alleles (0.00074%); highest among the groups gnomAD compares: Non-Finnish European, 0.001%; no homozygotes.

Submission:

Labcorp Genetics (formerly Invitae), Labcorp
Classification: Uncertain significance for Fanconi anemia. Last evaluated: 2022-07-06. Review status: criteria provided, single submitter. Criteria: Invitae Variant Classification Sherloc (09022015). Collection method: clinical testing. Allele origin: germline.
Comment: In summary, the available evidence is currently insufficient to determine the role of this variant in disease. Therefore, it has been classified as a Variant of Uncertain Significance. Advanced modeling of protein sequence and biophysical properties (such as structural, functional, and spatial information, amino acid conservation, physicochemical variation, residue mobility, and thermodynamic stability) performed at Invitae indicates that this missense variant is not expected to disrupt FANCA protein function. This variant has not been reported in the literature in individuals affected with FANCA-related conditions. This variant is present in population databases (rs747114102, gnomAD 0.0009%). This sequence change replaces serine, which is neutral and polar, with cysteine, which is neutral and slightly polar, at codon 725 of the FANCA protein (p.Ser725Cys).

NM_000135.4(FANCA):c.2174C>G (p.Ser725Cys)

Gene: FANCA (FA complementation group A; minus strand). Cytogenetic location: 16q24.3.
Variant type: single nucleotide variant.
Coding change: c.2174C>G on transcript NM_000135.4 (MANE Select); coding-DNA position 2174, C replaced by G.
Protein change: p.Ser725Cys; replaces serine 725 with cysteine.
Molecular consequence: missense variant.
Genome position (GRCh38, 1-based): chr16:89,770,612, G>C on the plus strand (C>G on the coding strand, the complement: FANCA is on the minus strand). VCF-style: chr16-89770612-G-C. GRCh37 (hg19) VCF-style: chr16-89837020-G-C.
Other names: c.2174C>G, p.Ser725Cys (NM_001286167.3); short protein forms S725C.
Identifiers: ClinVar variation 2139896 (VCV002139896.4), dbSNP rs747114102, ClinGen allele CA8251858.